The following is an entry in ClinVar:

ClinVar aggregate classification (germline): Likely benign. Review status: criteria provided, multiple submitters, no conflicts (2 of 4 stars). 4 submissions from 4 submitters: Likely benign (4). Last evaluated 2026-07-01.

Allele frequency attached by ClinVar (database versions not stated): ExAC 0.00008; ESP Exome Variant Server 0.00008; gnomAD 0.00011; TOPMed 0.00015; gnomAD exomes 0.00016.
gnomAD v4.1: 156 of 1,599,140 alleles (0.0098%); highest among the groups gnomAD compares: Middle Eastern, 0.049%; no homozygotes.

Submissions (4):

CeGaT Center for Human Genetics Tuebingen
Classification: Likely benign. Last evaluated: 2026-07-01. Review status: criteria provided, single submitter. Criteria: CeGaT Center For Human Genetics Tuebingen Variant Classification Criteria Version 2. Collection method: clinical testing. Allele origin: germline. Affected: yes. Observed: 2 variant alleles.
Comment: WDR81: BP4, BP7

Blueprint Genetics
Classification: Likely benign. Last evaluated: 2024-10-25. Review status: criteria provided, single submitter. Criteria: ACMG Guidelines, 2015. Collection method: clinical testing. Allele origin: germline.

Labcorp Genetics (formerly Invitae), Labcorp
Classification: Likely benign. Last evaluated: 2018-01-11. Review status: criteria provided, single submitter. Criteria: Invitae Variant Classification Sherloc (09022015). Collection method: clinical testing. Allele origin: germline.

Breakthrough Genomics
Classification: Likely benign. Review status: criteria provided, single submitter. Criteria: ACMG Guidelines, 2015. Collection method: not provided. Allele origin: germline. Inheritance: Autosomal recessive inheritance. Affected: yes.

NM_001163809.2(WDR81):c.5106C>T (p.Phe1702=)

Gene: WDR81 (WD repeat domain 81; plus strand). Cytogenetic location: 17p13.3.
Variant type: single nucleotide variant.
Coding change: c.5106C>T on transcript NM_001163809.2 (MANE Select); coding-DNA position 5106, C replaced by T.
Protein change: p.Phe1702=; no amino-acid change (phenylalanine 1702 retained).
Molecular consequence: synonymous variant.
Genome position (GRCh38, 1-based): chr17:1,734,143, C>T. VCF-style: chr17-1734143-C-T. GRCh37 (hg19) VCF-style: chr17-1637437-C-T.
Other names: c.1497C>T, p.Phe499= (NM_001163673.2); c.1425C>T, p.Phe475= (NM_001163811.2); c.1953C>T, p.Phe651= (NM_152348.4).
Identifiers: ClinVar variation 730971 (VCV000730971.35), dbSNP rs372716005, ClinGen allele CA8273758.